The following is an entry in ClinVar:

ClinVar aggregate classification (germline): Likely benign. Review status: criteria provided, multiple submitters, no conflicts (2 of 4 stars). 6 submissions from 6 submitters: Likely benign (5). 1 of the submissions does not count toward it. Last evaluated 2025-11-26.

Conditions:
FGFR3-related disorder. Also called: FGFR3-related disorders.

Allele frequency attached by ClinVar (database versions not stated): TOPMed 0.00005; gnomAD 0.00007; ESP Exome Variant Server 0.00008; gnomAD exomes 0.00009; ExAC 0.00012.

Submissions (6):

Women's Health and Genetics/Laboratory Corporation of America, LabCorp
Classification: Likely benign. Last evaluated: 2025-11-26. Review status: criteria provided, single submitter. Criteria: LabCorp Variant Classification Summary - May 2015. Collection method: clinical testing. Allele origin: germline.

Labcorp Genetics (formerly Invitae), Labcorp
Classification: Likely benign. Last evaluated: 2025-08-04. Review status: criteria provided, single submitter. Criteria: Invitae Variant Classification Sherloc (09022015). Collection method: clinical testing. Allele origin: germline.

CeGaT Center for Human Genetics Tuebingen
Classification: Likely benign. Last evaluated: 2025-03-01. Review status: criteria provided, single submitter. Criteria: CeGaT Center For Human Genetics Tuebingen Variant Classification Criteria Version 2. Collection method: clinical testing. Allele origin: germline. Affected: yes. Observed: 1 variant allele.
Comment: FGFR3: BP4, BP7

Blueprint Genetics
Classification: Likely benign. Last evaluated: 2024-10-08. Review status: criteria provided, single submitter. Criteria: ACMG Guidelines, 2015. Collection method: clinical testing. Allele origin: germline.

GeneDx
Classification: Likely benign. Last evaluated: 2021-02-03. Review status: criteria provided, single submitter. Criteria: GeneDx Variant Classification Process June 2021. Collection method: clinical testing. Allele origin: germline. Affected: yes.

PreventionGenetics, part of Exact Sciences
Classification: Likely benign for FGFR3-related condition. Last evaluated: 2022-10-11. Review status: no assertion criteria provided. Collection method: clinical testing. Allele origin: germline. Not counted in ClinVar's aggregate classification.
Comment: This variant is classified as likely benign based on ACMG/AMP sequence variant interpretation guidelines (Richards et al. 2015 PMID: 25741868, with internal and published modifications).

NM_000142.5(FGFR3):c.1701G>C (p.Leu567=)

Gene: FGFR3 (fibroblast growth factor receptor 3; plus strand). Cytogenetic location: 4p16.3.
Variant type: single nucleotide variant.
Coding change: c.1701G>C on transcript NM_000142.5 (MANE Select); coding-DNA position 1701, G replaced by C.
Protein change: p.Leu567=; no amino-acid change (leucine 567 retained).
Molecular consequence: synonymous variant. On other transcripts: non-coding transcript variant (1).
Genome position (GRCh38, 1-based): chr4:1,805,805, G>C. VCF-style: chr4-1805805-G-C. GRCh37 (hg19) VCF-style: chr4-1807532-G-C.
Other names: c.1707G>C, p.Leu569= (NM_001163213.2); c.1704G>C, p.Leu568= (NM_001354809.2, NM_001354810.2); c.1365G>C, p.Leu455= (NM_022965.4).
Identifiers: ClinVar variation 1254285 (VCV001254285.20), dbSNP rs372367824, ClinGen allele CA2810545.
Genomic context (GRCh38, chr4:1,805,805, plus strand): 5'-CCCAGGGCCCCTGTACGTGCTGGTGGAGTACGCGGCCAAGGGTAACCTGCGGGAGTTTCT[G>C]CGGGCGCGGCGGCCCCCGGGCCTGGACTACTCCTTCGACACCTGCAAGCCGCCCGAGGAG-3'
Protein context (NP_000133.1, residues 557-577): YAAKGNLREF[Leu567=]RARRPPGLDY